The following is an entry in ClinVar:

NM_001735.3(C5):c.1000+5_1000+6insGAGTGTGT

Gene: C5 (complement C5; minus strand). Cytogenetic location: 9q33.2.
Variant type: Microsatellite.
Coding change: c.1000+5_1000+6insGAGTGTGT on transcript NM_001735.3 (MANE Select); bases 5 to 6 of the intron after coding-DNA position 1000, GAGTGTGT inserted.
Molecular consequence: intron variant.
Genome position: GRCh38 VCF-style: chr9-121025448-A-ACACACACT. GRCh37 (hg19) VCF-style: chr9-123787726-A-ACACACACT.
Other names: c.1018+5_1018+6insGAGTGTGT (NM_001317163.2); c.1000+5_1000+6insGAGTGTGT (NM_001317164.2).
Identifiers: ClinVar variation 1492609 (VCV001492609.6), dbSNP rs778347866.

ClinVar aggregate classification (germline): Uncertain significance (1 of 4 stars; one submission).

Submission:

Labcorp Genetics (formerly Invitae), Labcorp
Classification: Uncertain significance. Last evaluated: 2023-12-11. Review status: criteria provided, single submitter. Criteria: Invitae Variant Classification Sherloc (09022015). Collection method: clinical testing. Allele origin: germline.
Comment: This sequence change falls in intron 9 of the C5 gene. It does not directly change the encoded amino acid sequence of the C5 protein. It affects a nucleotide within the consensus splice site. The frequency data for this variant in the population databases is considered unreliable, as metrics indicate poor data quality at this position in the gnomAD database. This variant has not been reported in the literature in individuals affected with C5-related conditions. Variants that disrupt the consensus splice site are a relatively common cause of aberrant splicing (PMID: 17576681, 9536098). Algorithms developed to predict the effect of sequence changes on RNA splicing suggest that this variant is not likely to affect RNA splicing. In summary, the available evidence is currently insufficient to determine the role of this variant in disease. Therefore, it has been classified as a Variant of Uncertain Significance.

Literature cited by the submitters: PubMed 17576681; PubMed 9536098.